The following is an entry in ClinVar:

NM_001378454.1(ALMS1):c.2191G>A (p.Ala731Thr)

Gene: ALMS1 (ALMS1 centrosome and basal body associated protein; plus strand). Cytogenetic location: 2p13.1.
Variant type: single nucleotide variant.
Coding change: c.2191G>A on transcript NM_001378454.1 (MANE Select); coding-DNA position 2191, G replaced by A.
Protein change: p.Ala731Thr; replaces alanine 731 with threonine.
Molecular consequence: missense variant.
Genome position (GRCh38, 1-based): chr2:73,448,718, G>A. VCF-style: chr2-73448718-G-A. GRCh37 (hg19) VCF-style: chr2-73675845-G-A.
Other names: c.2194G>A, p.Ala732Thr (NM_015120.4); short protein forms A732T, A731T.
Identifiers: ClinVar variation 434137 (VCV000434137.10), dbSNP rs1337404560, ClinGen allele CA347267149.

ClinVar aggregate classification (germline): Uncertain significance. Review status: criteria provided, multiple submitters, no conflicts (2 of 4 stars). 3 submissions from 3 submitters: Uncertain significance (3). Last evaluated 2022-06-20.

Conditions:
Alstrom syndrome (ALMS). Identifiers: Orphanet 64, MedGen C0268425, MONDO:0008763, OMIM 203800.

Allele frequency attached by ClinVar (database versions not stated): TOPMed below 0.00001; gnomAD exomes 0.00001.
gnomAD v4.1: 7 of 1,605,030 alleles (0.00044%); highest among the groups gnomAD compares: African/African-American, 0.0013%; no homozygotes.

Submissions (3):

Labcorp Genetics (formerly Invitae), Labcorp
Classification: Uncertain significance for Alstrom syndrome. Last evaluated: 2022-06-20. Review status: criteria provided, single submitter. Criteria: Invitae Variant Classification Sherloc (09022015). Collection method: clinical testing. Allele origin: germline.
Comment: In summary, the available evidence is currently insufficient to determine the role of this variant in disease. Therefore, it has been classified as a Variant of Uncertain Significance. Experimental studies and prediction algorithms are not available or were not evaluated, and the functional significance of this variant is currently unknown. ClinVar contains an entry for this variant (Variation ID: 434137). This variant has not been reported in the literature in individuals affected with ALMS1-related conditions. This variant is present in population databases (no rsID available, gnomAD 0.002%). This sequence change replaces alanine, which is neutral and non-polar, with threonine, which is neutral and polar, at codon 732 of the ALMS1 protein (p.Ala732Thr).

Fulgent Genetics
Classification: Uncertain significance for Alstrom syndrome. Last evaluated: 2022-02-02. Review status: criteria provided, single submitter. Criteria: ACMG Guidelines, 2015. Collection method: clinical testing. Allele origin: unknown.

Genetic Services Laboratory, University of Chicago
Classification: Uncertain significance. Last evaluated: 2016-08-25. Review status: criteria provided, single submitter. Criteria: ACMG Guidelines, 2015. Collection method: clinical testing. Allele origin: germline. Affected: no.